The following is an entry in ClinVar:

NM_001605.3(AARS1):c.1410C>G (p.Ile470Met)

Gene: AARS1 (alanyl-tRNA synthetase 1; minus strand). Cytogenetic location: 16q22.1.
Variant type: single nucleotide variant.
Coding change: c.1410C>G on transcript NM_001605.3 (MANE Select); coding-DNA position 1410, C replaced by G.
Protein change: p.Ile470Met; replaces isoleucine 470 with methionine.
Molecular consequence: missense variant.
Genome position (GRCh38, 1-based): chr16:70,265,040, G>C on the plus strand (C>G on the coding strand, the complement: AARS1 is on the minus strand). VCF-style: chr16-70265040-G-C. GRCh37 (hg19) VCF-style: chr16-70298943-G-C.
Other names: short protein forms I470M.
Identifiers: ClinVar variation 1019207 (VCV001019207.6), dbSNP rs79785372, ClinGen allele CA396561272.

ClinVar aggregate classification (germline): Uncertain significance (1 of 4 stars; one submission).

Conditions:
Charcot-Marie-Tooth disease type 2. Also called: Charcot-Marie-Tooth type 2. Identifiers: Orphanet 64746, MedGen C0270914, MONDO:0018993.

Allele frequency attached by ClinVar (database versions not stated): TOPMed 0.00005.
gnomAD v4.1: 11 of 1,614,002 alleles (0.00068%); highest among the groups gnomAD compares: Non-Finnish European, 0.00093%; no homozygotes.

Submission:

Labcorp Genetics (formerly Invitae), Labcorp
Classification: Uncertain significance for Charcot-Marie-Tooth disease type 2. Last evaluated: 2025-07-02. Review status: criteria provided, single submitter. Criteria: Invitae Variant Classification Sherloc (09022015). Collection method: clinical testing. Allele origin: germline.
Comment: This sequence change replaces isoleucine, which is neutral and non-polar, with methionine, which is neutral and non-polar, at codon 470 of the AARS protein (p.Ile470Met). This variant is not present in population databases (gnomAD no frequency). This missense change has been observed in individual(s) with hereditary motor and sensory neuropathy (PMID: 27164712). ClinVar contains an entry for this variant (Variation ID: 1019207). Invitae Evidence Modeling of protein sequence and biophysical properties (such as structural, functional, and spatial information, amino acid conservation, physicochemical variation, residue mobility, and thermodynamic stability) indicates that this missense variant is not expected to disrupt AARS protein function with a negative predictive value of 80%. In summary, the available evidence is currently insufficient to determine the role of this variant in disease. Therefore, it has been classified as a Variant of Uncertain Significance.

Literature cited by the submitters: PubMed 27164712.